The following is an entry in ClinVar:

NM_001690.4(ATP6V1A):c.548G>C (p.Gly183Ala)

Gene: ATP6V1A (ATPase H+ transporting V1 subunit A; plus strand). Cytogenetic location: 3q13.31.
Variant type: single nucleotide variant.
Coding change: c.548G>C on transcript NM_001690.4 (MANE Select); coding-DNA position 548, G replaced by C.
Protein change: p.Gly183Ala; replaces glycine 183 with alanine.
Molecular consequence: missense variant.
Genome position (GRCh38, 1-based): chr3:113,784,817, G>C. VCF-style: chr3-113784817-G-C. GRCh37 (hg19) VCF-style: chr3-113503664-G-C.
Other names: short protein forms G183A.
Identifiers: ClinVar variation 2576576 (VCV002576576.3), dbSNP rs2549719686, ClinGen allele CA354009943.
Genomic context (GRCh38, chr3:113,784,817, plus strand): 5'-AACACAAAATCATGTTACCCCCACGAAACAGAGGAACTGTAACTTACATTGCTCCACCTG[G>C]GAATTATGATACCTCTGTAAGTATCATTTGAACTTTATCCTGCAGAGTGCCTCTATTTCT-3'
Protein context (NP_001681.2, residues 173-193): RGTVTYIAPP[Gly183Ala]NYDTSDVVLE

ClinVar aggregate classification (germline): Uncertain significance. Review status: criteria provided, multiple submitters, no conflicts (2 of 4 stars). 2 submissions from 2 submitters: Uncertain significance (2). Last evaluated 2025-12-27.

Conditions:
Developmental and epileptic encephalopathy 93. Also called: EPILEPTIC ENCEPHALOPATHY, INFANTILE OR EARLY CHILDHOOD, 3. Identifiers: MedGen C4693934, MONDO:0020632, OMIM 618012.

Allele frequency attached by ClinVar (database versions not stated): gnomAD exomes below 0.00001.
gnomAD v4.1: 2 of 1,613,970 alleles (0.00012%); highest among the groups gnomAD compares: Non-Finnish European, 0.00017%; no homozygotes.

Submissions (2):

Labcorp Genetics (formerly Invitae), Labcorp
Classification: Uncertain significance. Last evaluated: 2025-12-27. Review status: criteria provided, single submitter. Criteria: Invitae Variant Classification Sherloc (09022015). Collection method: clinical testing. Allele origin: germline.
Comment: This sequence change replaces glycine, which is neutral and non-polar, with alanine, which is neutral and non-polar, at codon 183 of the ATP6V1A protein (p.Gly183Ala). This variant is not present in population databases (gnomAD no frequency). This variant has not been reported in the literature in individuals affected with ATP6V1A-related conditions. ClinVar contains an entry for this variant (Variation ID: 2576576). Invitae Evidence Modeling of protein sequence and biophysical properties (such as structural, functional, and spatial information, amino acid conservation, physicochemical variation, residue mobility, and thermodynamic stability) has been performed for this missense variant. However, the output from this modeling did not meet the statistical confidence thresholds required to predict the impact of this variant on ATP6V1A protein function. In summary, the available evidence is currently insufficient to determine the role of this variant in disease. Therefore, it has been classified as a Variant of Uncertain Significance.

Institute of Human Genetics, University of Leipzig Medical Center
Classification: Uncertain significance for Developmental and epileptic encephalopathy 93. Last evaluated: 2023-07-26. Review status: criteria provided, single submitter. Criteria: ACMG Guidelines, 2015. Collection method: clinical testing. Allele origin: unknown. Inheritance: Autosomal dominant inheritance. Affected: yes.
Comment: Criteria applied: PM2_SUP,PP2,PP3